The following is an entry in ClinVar:

NM_001134407.3(GRIN2A):c.886A>G (p.Ile296Val)

Gene: GRIN2A (glutamate ionotropic receptor NMDA type subunit 2A; minus strand). Cytogenetic location: 16p13.2.
Variant type: single nucleotide variant.
Coding change: c.886A>G on transcript NM_001134407.3 (MANE Select); coding-DNA position 886, A replaced by G.
Protein change: p.Ile296Val; replaces isoleucine 296 with valine.
Molecular consequence: missense variant.
Genome position (GRCh38, 1-based): chr16:9,938,080, T>C on the plus strand (A>G on the coding strand, the complement: GRIN2A is on the minus strand). VCF-style: chr16-9938080-T-C. GRCh37 (hg19) VCF-style: chr16-10031937-T-C.
Other names: c.886A>G, p.Ile296Val (NM_000833.5, NM_001134408.2); short protein forms I296V.
Identifiers: ClinVar variation 532707 (VCV000532707.10), dbSNP rs953400144, ClinGen allele CA278194571.

ClinVar aggregate classification (germline): Uncertain significance. Review status: criteria provided, multiple submitters, no conflicts (2 of 4 stars). 2 submissions from 2 submitters: Uncertain significance (2). Last evaluated 2025-01-11.

Conditions:
Landau-Kleffner syndrome (FESD). Also called: EPILEPSY, FOCAL, WITH SPEECH DISORDER AND WITH OR WITHOUT MENTAL RETARDATION; APHASIA, ACQUIRED, WITH EPILEPSY. Identifiers: Orphanet 1945, Orphanet 725, Orphanet 98818, MedGen C0282512, MONDO:0009509, OMIM 245570.

gnomAD v4.1: 1 of 1,614,024 alleles (0.000062%); no homozygotes.

Submissions (2):

Labcorp Genetics (formerly Invitae), Labcorp
Classification: Uncertain significance for Landau-Kleffner syndrome. Last evaluated: 2025-01-11. Review status: criteria provided, single submitter. Criteria: Invitae Variant Classification Sherloc (09022015). Collection method: clinical testing. Allele origin: germline.
Comment: This sequence change replaces isoleucine, which is neutral and non-polar, with valine, which is neutral and non-polar, at codon 296 of the GRIN2A protein (p.Ile296Val). This variant is not present in population databases (gnomAD no frequency). This variant has not been reported in the literature in individuals affected with GRIN2A-related conditions. ClinVar contains an entry for this variant (Variation ID: 532707). Invitae Evidence Modeling of protein sequence and biophysical properties (such as structural, functional, and spatial information, amino acid conservation, physicochemical variation, residue mobility, and thermodynamic stability) indicates that this missense variant is not expected to disrupt GRIN2A protein function with a negative predictive value of 95%. In summary, the available evidence is currently insufficient to determine the role of this variant in disease. Therefore, it has been classified as a Variant of Uncertain Significance.

Blueprint Genetics
Classification: Uncertain significance. Last evaluated: 2021-03-31. Review status: criteria provided, single submitter. Criteria: ACMG Guidelines, 2015. Collection method: clinical testing. Allele origin: germline.